The following is an entry in ClinVar:

ClinVar aggregate classification (germline): Likely pathogenic. Review status: criteria provided, multiple submitters, no conflicts (2 of 4 stars). 2 submissions from 2 submitters: Likely pathogenic (2). Last evaluated 2024-06-20.

Conditions:
Meckel-Gruber syndrome. Also called: DYSENCEPHALIA SPLANCHNOCYSTICA; GRUBER SYNDROME; Dysencephalia splachnocystica. Identifiers: Orphanet 564, MedGen C0265215, MONDO:0018921.
Joubert syndrome. Also called: CEREBELLOPARENCHYMAL DISORDER IV; JOUBERT-BOLTSHAUSER SYNDROME; Familial aplasia of the vermis. Identifiers: Orphanet 475, MedGen C5979921, MONDO:0018772.
Meckel syndrome, type 5 (MKS5). Identifiers: Orphanet 564, MedGen C1969052, MONDO:0012695, OMIM 611561.
Joubert syndrome 7 (JBTS7). Identifiers: Orphanet 220497, MedGen C1969053, MONDO:0012694, OMIM 611560.
COACH syndrome 3. Identifiers: MedGen C5436841, MONDO:0030862, OMIM 619113.

gnomAD v4.1: 1 of 1,611,282 alleles (0.000062%); highest among the groups gnomAD compares: Non-Finnish European, 0.000085%; no homozygotes.

Submissions (2):

Fulgent Genetics
Classification: Likely pathogenic for Joubert syndrome 7; Meckel syndrome, type 5; COACH syndrome 3. Last evaluated: 2024-06-20. Review status: criteria provided, single submitter. Criteria: ACMG Guidelines, 2015. Collection method: clinical testing. Allele origin: germline.

Labcorp Genetics (formerly Invitae), Labcorp
Classification: Likely pathogenic for Joubert syndrome; Meckel-Gruber syndrome. Last evaluated: 2021-11-20. Review status: criteria provided, single submitter. Criteria: Invitae Variant Classification Sherloc (09022015). Collection method: clinical testing. Allele origin: germline.
Comment: In summary, the currently available evidence indicates that the variant is pathogenic, but additional data are needed to prove that conclusively. Therefore, this variant has been classified as Likely Pathogenic. Algorithms developed to predict the effect of sequence changes on RNA splicing suggest that this variant may disrupt the consensus splice site. This variant has not been reported in the literature in individuals affected with RPGRIP1L-related conditions. This variant is not present in population databases (gnomAD no frequency). This sequence change affects an acceptor splice site in intron 17 of the RPGRIP1L gene. It is expected to disrupt RNA splicing. Variants that disrupt the donor or acceptor splice site typically lead to a loss of protein function (PMID: 16199547), and loss-of-function variants in RPGRIP1L are known to be pathogenic (PMID: 17558409).

Literature cited by the submitters: PubMed 16199547 (cited by Labcorp Genetics (formerly Invitae), Labcorp); PubMed 17558409 (cited by Labcorp Genetics (formerly Invitae), Labcorp).

NM_015272.5(RPGRIP1L):c.2684-1G>A

Gene: RPGRIP1L (RPGRIP1 like; minus strand). Cytogenetic location: 16q12.2.
Variant type: single nucleotide variant.
Coding change: c.2684-1G>A on transcript NM_015272.5 (MANE Select); the canonical splice acceptor site of the intron before coding-DNA position 2684, G replaced by A.
Molecular consequence: splice acceptor variant.
Genome position (GRCh38, 1-based): chr16:53,641,476, C>T on the plus strand (G>A on the coding strand, the complement: RPGRIP1L is on the minus strand). VCF-style: chr16-53641476-C-T. GRCh37 (hg19) VCF-style: chr16-53675388-C-T.
Other names: c.2684-1G>A (NM_001127897.4, NM_001330538.2, NM_001308334.3).
Identifiers: ClinVar variation 1487367 (VCV001487367.7), dbSNP rs2151060257, ClinGen allele CA395913269.